The following is an entry in ClinVar:

NM_001927.4(DES):c.321C>A (p.Asn107Lys)

Gene: DES (desmin; plus strand). Cytogenetic location: 2q35.
Variant type: single nucleotide variant.
Coding change: c.321C>A on transcript NM_001927.4 (MANE Select); coding-DNA position 321, C replaced by A.
Protein change: p.Asn107Lys; replaces asparagine 107 with lysine.
Molecular consequence: missense variant.
Genome position (GRCh38, 1-based): chr2:219,418,783, C>A. VCF-style: chr2-219418783-C-A. GRCh37 (hg19) VCF-style: chr2-220283505-C-A.
Other names: c.321C>A, p.Asn107Lys (NM_001382708.1, NM_001382709.1, NM_001382710.1 and 3 more transcripts); short protein forms N107K.
Identifiers: ClinVar variation 2009581 (VCV002009581.4), dbSNP rs1213790697, ClinGen allele CA350685203.

ClinVar aggregate classification (germline): Uncertain significance (1 of 4 stars; one submission).

Conditions:
Desmin-related myofibrillar myopathy (MFM1). Also called: Desmin related myopathy (former name); Desmin storage myopathy (former name); MYOFIBRILLAR MYOPATHY WITH ARRHYTHMOGENIC RIGHT VENTRICULAR CARDIOMYOPATHY; DESMIN-RELATED MYOPATHY WITH ARRHYTHMOGENIC RIGHT VENTRICULAR CARDIOMYOPATHY; Myofibrillar myopathy 1; Desminopathy. Identifiers: Orphanet 363543, Orphanet 98909, MedGen C1832370, MONDO:0011076, OMIM 601419.

Submission:

Labcorp Genetics (formerly Invitae), Labcorp
Classification: Uncertain significance for Desmin-related myofibrillar myopathy. Last evaluated: 2022-06-24. Review status: criteria provided, single submitter. Criteria: Invitae Variant Classification Sherloc (09022015). Collection method: clinical testing. Allele origin: germline.
Comment: This sequence change replaces asparagine, which is neutral and polar, with lysine, which is basic and polar, at codon 107 of the DES protein (p.Asn107Lys). This variant is not present in population databases (gnomAD no frequency). In summary, the available evidence is currently insufficient to determine the role of this variant in disease. Therefore, it has been classified as a Variant of Uncertain Significance. Algorithms developed to predict the effect of missense changes on protein structure and function are either unavailable or do not agree on the potential impact of this missense change (SIFT: "Tolerated"; PolyPhen-2: "Probably Damaging"; Align-GVGD: "Class C0"). This variant has not been reported in the literature in individuals affected with DES-related conditions.